The following is an entry in ClinVar:

ClinVar aggregate classification (germline): Uncertain significance (0 of 4 stars; one submission).

Conditions:
PHIP-related disorder. Also called: PHIP-related condition; PHIP-related disorders.

gnomAD v4.1: 5 of 1,606,118 alleles (0.00031%); highest among the groups gnomAD compares: South Asian, 0.0011%; no homozygotes.

Submission:

PreventionGenetics, part of Exact Sciences
Classification: Uncertain significance for PHIP-related condition. Last evaluated: 2023-10-31. Review status: no assertion criteria provided. Collection method: clinical testing. Allele origin: germline.
Comment: The PHIP c.3508G>A variant is predicted to result in the amino acid substitution p.Ala1170Thr. To our knowledge, this variant has not been reported in the literature. This variant is reported in 0.0018% of alleles in individuals of European (Non-Finnish) descent in gnomAD. At this time, the clinical significance of this variant is uncertain due to the absence of conclusive functional and genetic evidence.

NM_017934.7(PHIP):c.3508G>A (p.Ala1170Thr)

Genes: IRAK1BP1 (interleukin 1 receptor associated kinase 1 binding protein 1; plus strand), PHIP (PHIP subunit of CUL4-Ring ligase complex; minus strand). Cytogenetic location: 6q14.1.
Variant type: single nucleotide variant.
Coding change: c.3508G>A on transcript NM_017934.7 (MANE Select); coding-DNA position 3508, G replaced by A.
Protein change: p.Ala1170Thr; replaces alanine 1170 with threonine.
Molecular consequence: missense variant.
Genome position (GRCh38, 1-based): chr6:78,963,124, C>T on the plus strand (G>A on the coding strand, the complement: PHIP is on the minus strand). VCF-style: chr6-78963124-C-T. GRCh37 (hg19) VCF-style: chr6-79672841-C-T.
Other names: short protein forms A1170T.
Identifiers: ClinVar variation 3348448 (VCV003348448.1).